The following is an entry in ClinVar:

ClinVar aggregate classification (germline): Conflicting classifications of pathogenicity. Review status: criteria provided, conflicting classifications (1 of 4 stars). 4 submissions from 4 submitters: Uncertain significance (1); Likely benign (3). Last evaluated 2026-09-01.

Conditions:
PKHD1-related disorder. Also called: PKHD1-related condition.
Autosomal recessive polycystic kidney disease (ARPKD). Also called: AR polycystic kidney disease. Identifiers: Orphanet 731, Orphanet 8378, MedGen C0085548, MeSH D017044, MONDO:0009889.

Allele frequency attached by ClinVar (database versions not stated): TOPMed 0.00003; ExAC 0.00004; gnomAD exomes 0.00004; gnomAD 0.00009 and 0.00010; ESP Exome Variant Server 0.00015; 1000 Genomes Project 30x 0.00016; 1000 Genomes Project 0.00020.
gnomAD v4.1: 70 of 1,610,340 alleles (0.0043%); highest among the groups gnomAD compares: Middle Eastern, 0.017%; no homozygotes.

Submissions (4):

PreventionGenetics, part of Exact Sciences
Classification: Likely benign for PKHD1-related condition. Last evaluated: 2026-09-01. Review status: criteria provided, single submitter. Criteria: ACMG Guidelines, 2015. Collection method: clinical testing. Allele origin: germline.
Comment: This variant is classified as likely benign based on ACMG/AMP sequence variant interpretation guidelines (Richards et al. 2015 PMID: 25741868, with internal and published modifications).

Labcorp Genetics (formerly Invitae), Labcorp
Classification: Likely benign for Autosomal recessive polycystic kidney disease. Last evaluated: 2026-01-14. Review status: criteria provided, single submitter. Criteria: Invitae Variant Classification Sherloc (09022015). Collection method: clinical testing. Allele origin: germline.

Blueprint Genetics
Classification: Likely benign. Last evaluated: 2024-11-20. Review status: criteria provided, single submitter. Criteria: ACMG Guidelines, 2015. Collection method: clinical testing. Allele origin: germline.

Illumina Laboratory Services, Illumina
Classification: Uncertain significance for Polycystic kidney disease 4. Last evaluated: 2018-01-13. Review status: criteria provided, single submitter. Criteria: ICSL Variant Classification Criteria 13 December 2019. Collection method: clinical testing. Allele origin: germline.

NM_138694.4(PKHD1):c.6924C>T (p.Ala2308=)

Gene: PKHD1 (PKHD1 ciliary IPT domain containing fibrocystin/polyductin; minus strand). Cytogenetic location: 6p12.2.
Variant type: single nucleotide variant.
Coding change: c.6924C>T on transcript NM_138694.4 (MANE Select); coding-DNA position 6924, C replaced by T.
Protein change: p.Ala2308=; no amino-acid change (alanine 2308 retained).
Molecular consequence: synonymous variant.
Genome position (GRCh38, 1-based): chr6:51,903,669, G>A on the plus strand (C>T on the coding strand, the complement: PKHD1 is on the minus strand). VCF-style: chr6-51903669-G-A. GRCh37 (hg19) VCF-style: chr6-51768467-G-A.
Other names: c.6924C>T, p.Ala2308= (NM_170724.3).
Identifiers: ClinVar variation 912182 (VCV000912182.15), dbSNP rs373795139, ClinGen allele CA3852120.